The following is an entry in ClinVar:

ClinVar aggregate classification (germline): Uncertain significance. Review status: criteria provided, multiple submitters, no conflicts (2 of 4 stars). 2 submissions from 2 submitters: Uncertain significance (2). Last evaluated 2024-10-30.

Conditions:
KMT2C-related disorder. Also called: KMT2C-related disorders; KMT2C-related condition.

Allele frequency attached by ClinVar (database versions not stated): gnomAD exomes below 0.00001; TOPMed below 0.00001.
gnomAD v4.1: 16 of 1,614,210 alleles (0.00099%); highest among the groups gnomAD compares: Non-Finnish European, 0.0013%; no homozygotes.

Submissions (2):

Labcorp Genetics (formerly Invitae), Labcorp
Classification: Uncertain significance. Last evaluated: 2024-10-30. Review status: criteria provided, single submitter. Criteria: Invitae Variant Classification Sherloc (09022015). Collection method: clinical testing. Allele origin: germline.
Comment: This sequence change replaces methionine, which is neutral and non-polar, with isoleucine, which is neutral and non-polar, at codon 3436 of the KMT2C protein (p.Met3436Ile). This variant is present in population databases (no rsID available, gnomAD 0.0009%). This variant has not been reported in the literature in individuals affected with KMT2C-related conditions. ClinVar contains an entry for this variant (Variation ID: 1476606). Invitae Evidence Modeling of protein sequence and biophysical properties (such as structural, functional, and spatial information, amino acid conservation, physicochemical variation, residue mobility, and thermodynamic stability) indicates that this missense variant is not expected to disrupt KMT2C protein function with a negative predictive value of 80%. In summary, the available evidence is currently insufficient to determine the role of this variant in disease. Therefore, it has been classified as a Variant of Uncertain Significance.

PreventionGenetics, part of Exact Sciences
Classification: Uncertain significance for KMT2C-related condition. Last evaluated: 2023-03-24. Review status: criteria provided, single submitter. Criteria: ACMG Guidelines, 2015. Collection method: clinical testing. Allele origin: germline.
Comment: The KMT2C c.10308G>A variant is predicted to result in the amino acid substitution p.Met3436Ile. To our knowledge, this variant has not been reported in the literature. This variant is reported in 0.00088% of alleles in individuals of European (Non-Finnish) descent in gnomAD. At this time, the clinical significance of this variant is uncertain due to the absence of conclusive functional and genetic evidence.

NM_170606.3(KMT2C):c.10308G>A (p.Met3436Ile)

Gene: KMT2C (lysine methyltransferase 2C; minus strand). Cytogenetic location: 7q36.1.
Variant type: single nucleotide variant.
Coding change: c.10308G>A on transcript NM_170606.3 (MANE Select); coding-DNA position 10308, G replaced by A.
Protein change: p.Met3436Ile; replaces methionine 3436 with isoleucine.
Molecular consequence: missense variant.
Genome position (GRCh38, 1-based): chr7:152,163,269, C>T on the plus strand (G>A on the coding strand, the complement: KMT2C is on the minus strand). VCF-style: chr7-152163269-C-T. GRCh37 (hg19) VCF-style: chr7-151860354-C-T.
Other names: c.10308G>A (NM_170606.2); short protein forms M3436I.
Identifiers: ClinVar variation 1476606 (VCV001476606.7), dbSNP rs1258895605, ClinGen allele CA370103994.
Genomic context (GRCh38, chr7:152,163,269, plus strand): 5'-GGAACTGTAGAAGGGAATCTGGGACACAGATGTCCTACTACTACTTATCTCAGAGCCCAC[C>T]ATACCATGCTGCTCCATTTCCATCCTCTGCTGCAAAGCTCTTTGTCTATCTACCTCCTGC-3'
Protein context (NP_733751.2, residues 3426-3446): QQRMEMEQHG[Met3436Ile]VGSEISSSRT